The following is an entry in ClinVar:

ClinVar aggregate classification (germline): Uncertain significance (1 of 4 stars; one submission).

Allele frequency attached by ClinVar (database versions not stated): gnomAD exomes 0.00001 and 0.00002; ExAC 0.00003; gnomAD 0.00006; ESP Exome Variant Server 0.00008; TOPMed 0.00008.
gnomAD v4.1: 25 of 1,613,342 alleles (0.0015%); highest among the groups gnomAD compares: African/African-American, 0.032%; no homozygotes.

Submission:

Labcorp Genetics (formerly Invitae), Labcorp
Classification: Uncertain significance. Last evaluated: 2025-10-01. Review status: criteria provided, single submitter. Criteria: Invitae Variant Classification Sherloc (09022015). Collection method: clinical testing. Allele origin: germline.
Comment: This sequence change replaces leucine, which is neutral and non-polar, with phenylalanine, which is neutral and non-polar, at codon 214 of the CLCN6 protein (p.Leu214Phe). This variant is present in population databases (rs139212698, gnomAD 0.02%). This variant has not been reported in the literature in individuals affected with CLCN6-related conditions. ClinVar contains an entry for this variant (Variation ID: 1397420). An algorithm developed to predict the effect of missense changes on protein structure and function (PolyPhen-2) suggests that this variant is likely to be tolerated. In summary, the available evidence is currently insufficient to determine the role of this variant in disease. Therefore, it has been classified as a Variant of Uncertain Significance.

NM_001286.5(CLCN6):c.640C>T (p.Leu214Phe)

Gene: CLCN6 (chloride voltage-gated channel 6; plus strand). Cytogenetic location: 1p36.22.
Variant type: single nucleotide variant.
Coding change: c.640C>T on transcript NM_001286.5 (MANE Select); coding-DNA position 640, C replaced by T.
Protein change: p.Leu214Phe; replaces leucine 214 with phenylalanine.
Molecular consequence: missense variant. On other transcripts: non-coding transcript variant (1).
Genome position (GRCh38, 1-based): chr1:11,824,545, C>T. VCF-style: chr1-11824545-C-T. GRCh37 (hg19) VCF-style: chr1-11884602-C-T.
Other names: c.574C>T, p.Leu192Phe (NM_001256959.2); short protein forms L192F, L214F.
Identifiers: ClinVar variation 1397420 (VCV001397420.6), dbSNP rs139212698, ClinGen allele CA596165.
Genomic context (GRCh38, chr1:11,824,545, plus strand): 5'-GGGCTCTTCGTGGAGAAGGAAGGCCCCATGATCCACAGTGGTTCGGTGGTGGGAGCTGGC[C>T]TCCCTCAGGTAAGATGGGCTGAGAGGGTGTGGGCCTCTGGGCAGGCCTAGTGGGAGGTCT-3'
Protein context (NP_001277.2, residues 204-224): IHSGSVVGAG[Leu214Phe]PQFQSISLRK